The following is an entry in ClinVar:

NM_000548.5(TSC2):c.730T>C (p.Cys244Arg)

Gene: TSC2 (TSC complex subunit 2; plus strand). Cytogenetic location: 16p13.3.
Variant type: single nucleotide variant.
Coding change: c.730T>C on transcript NM_000548.5 (MANE Select); coding-DNA position 730, T replaced by C.
Protein change: p.Cys244Arg; replaces cysteine 244 with arginine.
Molecular consequence: missense variant.
Genome position (GRCh38, 1-based): chr16:2,056,725, T>C. VCF-style: chr16-2056725-T-C. GRCh37 (hg19) VCF-style: chr16-2106726-T-C.
Other names: c.730T>C, p.Cys244Arg (NM_001077183.3, NM_001114382.3, NM_001363528.2 and 3 more transcripts); c.619T>C, p.Cys207Arg (NM_001318827.2); c.583T>C, p.Cys195Arg (NM_001318829.2); c.130T>C, p.Cys44Arg (NM_001318831.2); c.763T>C, p.Cys255Arg (NM_001318832.2); short protein forms C244R, C255R, C207R, C195R, C44R.
Identifiers: ClinVar variation 49896 (VCV000049896.3), dbSNP rs137854101, ClinGen allele CA022889.

ClinVar aggregate classification (germline): Pathogenic. Review status: criteria provided, single submitter (1 of 4 stars). 2 submissions from 2 submitters: Pathogenic (1). 1 of the submissions does not count toward it. Last evaluated 2024-06-26.

Conditions:
Tuberous sclerosis syndrome (TSC). Also called: Tuberous Sclerosis Complex; Tuberous sclerosis. Identifiers: Orphanet 805, MedGen C0041341, MONDO:0001734.

Submissions (2):

GeneDx
Classification: Pathogenic. Last evaluated: 2024-06-26. Review status: criteria provided, single submitter. Criteria: GeneDx Variant Classification Process June 2021. Collection method: clinical testing. Allele origin: germline. Affected: yes.
Comment: Reported previously in a proband with TSC who also harbored two additional variants in the TSC2 gene; however, phase was undetermined. The proband's mother presented with angiomyolipoma but no other features of TSC and was reported to harbor the two additional TSC2 variants identified in the proband; the origin of the C244R variant was unable to be determined (PMID: 18302728); Not observed at significant frequency in large population cohorts (gnomAD); In silico analysis supports that this missense variant has a deleterious effect on protein structure/function; This variant is associated with the following publications: (PMID: 21309039, 18302728, 30872599, 18466115)

Tuberous sclerosis database (TSC2)
No classification provided. Condition: TSC. Review status: no classification provided. Criteria: Tuberous Sclerosis Database Assertion Criteria 2015. Collection method: curation. Allele origin: germline. Affected: yes. Not counted in ClinVar's aggregate classification.